The following is an entry in ClinVar:

NM_138295.5(PKD1L1):c.8413G>C (p.Gly2805Arg)

Gene: PKD1L1 (polycystin 1 like 1, transient receptor potential channel interacting; minus strand). Cytogenetic location: 7p12.3.
Variant type: single nucleotide variant.
Coding change: c.8413G>C on transcript NM_138295.5 (MANE Select); coding-DNA position 8413, G replaced by C.
Protein change: p.Gly2805Arg; replaces glycine 2805 with arginine.
Molecular consequence: missense variant.
Genome position (GRCh38, 1-based): chr7:47,792,740, C>G on the plus strand (G>C on the coding strand, the complement: PKD1L1 is on the minus strand). VCF-style: chr7-47792740-C-G. GRCh37 (hg19) VCF-style: chr7-47832338-C-G.
Other names: short protein forms G2805R.
Identifiers: ClinVar variation 1927109 (VCV001927109.5), dbSNP rs1451581187, ClinGen allele CA367461447.
Genomic context (GRCh38, chr7:47,792,740, plus strand): 5'-CCTCCCCTGTGTTGTTGGATGTTTTTTCCAGAAGGGGGAGTTGTAGGCTGTCGGACAAAC[C>G]ATTAATCTTCATCAGAAGTTCGTCTAACAGATTTGCAAATTCATCCAAGTAGTAATTCTG-3'
Protein context (NP_612152.1, residues 2795-2815): LLDELLMKIN[Gly2805Arg]LSDSLQLPLL

ClinVar aggregate classification (germline): Uncertain significance (1 of 4 stars; one submission).

Allele frequency attached by ClinVar (database versions not stated): gnomAD exomes below 0.00001.
gnomAD v4.1: 4 of 1,613,996 alleles (0.00025%); highest among the groups gnomAD compares: East Asian, 0.0045%; no homozygotes.

Submission:

Labcorp Genetics (formerly Invitae), Labcorp
Classification: Uncertain significance. Last evaluated: 2022-08-22. Review status: criteria provided, single submitter. Criteria: Invitae Variant Classification Sherloc (09022015). Collection method: clinical testing. Allele origin: germline.
Comment: In summary, the available evidence is currently insufficient to determine the role of this variant in disease. Therefore, it has been classified as a Variant of Uncertain Significance. Algorithms developed to predict the effect of missense changes on protein structure and function are either unavailable or do not agree on the potential impact of this missense change (SIFT: "Deleterious"; PolyPhen-2: "Possibly Damaging"; Align-GVGD: "Class C0"). This variant has not been reported in the literature in individuals affected with PKD1L1-related conditions. This variant is present in population databases (no rsID available, gnomAD 0.006%). This sequence change replaces glycine, which is neutral and non-polar, with arginine, which is basic and polar, at codon 2805 of the PKD1L1 protein (p.Gly2805Arg).